The following is an entry in ClinVar:

NM_001371333.1(DIABLO):c.-11C>T

Genes: DIABLO (diablo IAP-binding mitochondrial protein; minus strand), LOC130009040 (ATAC-STARR-seq lymphoblastoid active region 7211; plus strand). Cytogenetic location: 12q24.31.
Variant type: single nucleotide variant.
Coding change: c.-11C>T on transcript NM_001371333.1 (MANE Select); 11 bases upstream of the start codon, C replaced by T.
Molecular consequence: 5 prime UTR variant.
Genome position (GRCh38, 1-based): chr12:122,226,025, G>A on the plus strand (C>T on the coding strand, the complement: DIABLO is on the minus strand). VCF-style: chr12-122226025-G-A. GRCh37 (hg19) VCF-style: chr12-122710572-G-A.
Other names: c.-141C>T (NM_001278302.1, NM_138930.3); c.-97C>T (NM_001278303.1); c.-11C>T (NM_001278342.1, NM_019887.6).
Identifiers: ClinVar variation 228567 (VCV000228567.8), dbSNP rs376530914, ClinGen allele CA6844125.
Genomic context (GRCh38, chr12:122,226,025, plus strand): 5'-CTGAAGAATGAAGTTACGCTGCGCGACAGCCAACTCTTCAGAGCCGCCATTGTGCAGCGC[G>A]CGGACGCCAGACGCACACGCCGGAAGTGACGCAGCTTCGTGAGCGCGGAGCGGGGCACGG-3'

ClinVar aggregate classification (germline): Conflicting classifications of pathogenicity. Review status: criteria provided, conflicting classifications (1 of 4 stars). 3 submissions from 3 submitters: Uncertain significance (1); Likely benign (2). Last evaluated 2024-11-20.

Allele frequency attached by ClinVar (database versions not stated): gnomAD exomes 0.00022; TOPMed 0.00025; ExAC 0.00051; ESP Exome Variant Server 0.00008; 1000 Genomes Project 30x 0.00016; gnomAD 0.00022.
gnomAD v4.1: 368 of 1,601,310 alleles (0.023%); highest among the groups gnomAD compares: Admixed American, 0.046%; no homozygotes.

Submissions (3):

Blueprint Genetics
Classification: Likely benign. Last evaluated: 2024-11-20. Review status: criteria provided, single submitter. Criteria: ACMG Guidelines, 2015. Collection method: clinical testing. Allele origin: germline.

GeneDx
Classification: Likely benign. Last evaluated: 2018-10-02. Review status: criteria provided, single submitter. Criteria: GeneDx Variant Classification Process June 2021. Collection method: clinical testing. Allele origin: germline. Affected: yes.

Laboratory for Molecular Medicine, Mass General Brigham Personalized Medicine
Classification: Uncertain significance. Last evaluated: 2015-08-18. Review status: criteria provided, single submitter. Criteria: LMM Criteria. Collection method: clinical testing. Allele origin: germline. Observed: 1 variant allele.
Comment: The c.-11C>T variant in DIABLO has not been previously reported in individuals w ith hearing loss but has been identified in 22/27112 European chromosomes by the Exome Aggregation Consortium (ExAC; dbSNP rs376 530914). This variant is in the 5'UTR of DIABLO; however, its effect on transla tion is unknown. In summary the clinical significance of the c.-3G>T variant is uncertain.